The following is an entry in ClinVar:

ClinVar aggregate classification (germline): Pathogenic. Review status: reviewed by expert panel (3 of 4 stars). 3 submissions from 3 submitters: Pathogenic (1). 2 of the submissions do not count toward it. Last evaluated 2025-07-16.

Conditions:
Monogenic diabetes. Identifiers: Orphanet 183625, MedGen C3888631, MONDO:0015967.
Maturity-onset diabetes of the young (MODY). Also called: Maturity onset diabetes mellitus in young. Identifiers: Orphanet 552, MedGen C0342276, MONDO:0018911, HP:0004904.

Submissions (3):

ClinGen Monogenic Diabetes Variant Curation Expert Panel
Classification: Pathogenic for Monogenic diabetes. Last evaluated: 2025-07-16. Review status: reviewed by expert panel. Criteria: ClinGen Diabetes ACMG Specifications HNF1A V3.0.0. Collection method: curation. Allele origin: germline. Inheritance: Autosomal dominant inheritance.
Comment: The c.320T>G variant in the HNF1 homeobox A gene, HNF1A, causes an amino acid change of leucine to arginine at codon 107 (p.(Leu107Arg)) of NM_000545.8. This variant is located within the DNA binding domain (codons 107-174) of HNF1A, which is defined as critical for the protein’s function by the ClinGen MDEP (PM1_Supporting). This variant is also predicted to be deleterious by computational evidence, with a REVEL score of 0.93, which is greater than the MDEP threshold of 0.70 (PP3). This variant is absent in gnomAD v.4.1.0. (PM2_Supporting), and was identified in an individual with a clinical history suggestive of HNF1A-MODY (MODY probability calculator result >50%); however, HNF4A was not tested (PMID: 9166684). This variant segregated with diabetes with 15 informative meioses in this individual's family (PP1_Strong; PMID: 9166684). Two other missense variants at the same residue, c.319C>G (p.Leu107Val) and c.319C>A (p.Leu107Ile), have been interpreted as pathogenic by the ClinGen MDEP, and p.Leu107Arg has greater Grantham distance than p.Leu107Val and p.Leu107Ile (PM5_Strong). In summary, c.320T>G meets the criteria to be classified as pathogenic for monogenic diabetes. ACMG/AMP criteria applied, as specified by the ClinGen MDEP (specification version 3.0.0, approved 6/30/2025): PP1_Strong, PM5_Strong, PP3, PM1_Supporting, PM2_Supporting.

Labcorp Genetics (formerly Invitae), Labcorp
Classification: Pathogenic. Last evaluated: 2025-03-24. Review status: criteria provided, single submitter. Criteria: Invitae Variant Classification Sherloc (09022015). Collection method: clinical testing. Allele origin: germline. Not counted in ClinVar's aggregate classification.
Comment: This sequence change replaces leucine, which is neutral and non-polar, with arginine, which is basic and polar, at codon 107 of the HNF1A protein (p.Leu107Arg). This variant is not present in population databases (gnomAD no frequency). This missense change has been observed in individual(s) with maturity-onset diabetes of the young, type III (PMID: 9166684). It has also been observed to segregate with disease in related individuals. ClinVar contains an entry for this variant (Variation ID: 1334148). Invitae Evidence Modeling of protein sequence and biophysical properties (such as structural, functional, and spatial information, amino acid conservation, physicochemical variation, residue mobility, and thermodynamic stability) indicates that this missense variant is not expected to disrupt HNF1A protein function with a negative predictive value of 80%. For these reasons, this variant has been classified as Pathogenic.

Women's Health and Genetics/Laboratory Corporation of America, LabCorp
Classification: Pathogenic for Maturity-onset diabetes of the young. Last evaluated: 2023-06-09. Review status: criteria provided, single submitter. Criteria: LabCorp Variant Classification Summary - May 2015. Collection method: clinical testing. Allele origin: germline. Not counted in ClinVar's aggregate classification.
Comment: Variant summary: HNF1A c.320T>G (p.Leu107Arg) results in a non-conservative amino acid change located in the Hepatocyte nuclear factor 1, N-terminal (IPR006899) of the encoded protein sequence. This alters a highly conserved residue (HGMD) in which another missense variant (p.Leu107Ile) has been classified as likely pathogenic by a ClinGen expert panel. Five of five in-silico tools predict a damaging effect of the variant on protein function. The variant was absent in 230888 control chromosomes (gnomAD). c.320T>G has been reported in the literature in multiple related individuals affected with Maturity Onset Diabetes Of The Young 3, showing strong evidence of cosegregation with disease (Glucksmann_1997). These data indicate that the variant is very likely to be associated with disease. To our knowledge, no experimental evidence demonstrating an impact on protein function has been reported. The following publications have been ascertained in the context of this evaluation (PMID: 9166684, 10333057, 12453976). Two submitters, including a ClinGen expert panel, have provided clinical-significance assessments for this variant to ClinVar after 2014, and classified it as pathogenic/likely pathogenic. Based on the evidence outlined above, the variant was classified as pathogenic.

Literature cited by the submitters: PubMed 9166684 (cited by 3 submitters); PubMed 10333057 (cited by Women's Health and Genetics/Laboratory Corporation of America, LabCorp); PubMed 12453976 (cited by Women's Health and Genetics/Laboratory Corporation of America, LabCorp).

NM_000545.8(HNF1A):c.320T>G (p.Leu107Arg)

Gene: HNF1A (HNF1 homeobox A; plus strand). Cytogenetic location: 12q24.31.
Variant type: single nucleotide variant.
Coding change: c.320T>G on transcript NM_000545.8 (MANE Select); coding-DNA position 320, T replaced by G.
Protein change: p.Leu107Arg; replaces leucine 107 with arginine.
Molecular consequence: missense variant.
Genome position (GRCh38, 1-based): chr12:120,979,088, T>G. VCF-style: chr12-120979088-T-G. GRCh37 (hg19) VCF-style: chr12-121416891-T-G.
Other names: NM_001306179.2:c.320T>G; c.320T>G (NM_000545.6); c.320T>G, p.Leu107Arg (NM_001306179.2); short protein forms L107R.
Identifiers: ClinVar variation 1334148 (VCV001334148.9), dbSNP rs2135820413, ClinGen allele CA386954873.